The following is an entry in ClinVar:

ClinVar aggregate classification (germline): Likely benign (1 of 4 stars; one submission).

Allele frequency attached by ClinVar (database versions not stated): TOPMed 0.00001; ExAC 0.00002; gnomAD exomes 0.00002.
gnomAD v4.1: 29 of 1,614,036 alleles (0.0018%); highest among the groups gnomAD compares: South Asian, 0.023%; no homozygotes.

Submission:

CeGaT Center for Human Genetics Tuebingen
Classification: Likely benign. Last evaluated: 2022-04-01. Review status: criteria provided, single submitter. Criteria: CeGaT Center For Human Genetics Tuebingen Variant Classification Criteria Version 2. Collection method: clinical testing. Allele origin: germline. Affected: yes. Observed: 1 variant allele.
Comment: MYOF: BP4, BP7

NM_013451.4(MYOF):c.60G>A (p.Pro20=)

Gene: MYOF (myoferlin; minus strand). Cytogenetic location: 10q23.33.
Variant type: single nucleotide variant.
Coding change: c.60G>A on transcript NM_013451.4 (MANE Select); coding-DNA position 60, G replaced by A.
Protein change: p.Pro20=; no amino-acid change (proline 20 retained).
Molecular consequence: synonymous variant.
Genome position (GRCh38, 1-based): chr10:93,482,135, C>T on the plus strand (G>A on the coding strand, the complement: MYOF is on the minus strand). VCF-style: chr10-93482135-C-T. GRCh37 (hg19) VCF-style: chr10-95241892-C-T.
Other names: c.60G>A, p.Pro20= (NM_133337.3).
Identifiers: ClinVar variation 2640699 (VCV002640699.24), dbSNP rs765518488, ClinGen allele CA5608767.